The following is an entry in ClinVar:

NM_015041.3(CLUAP1):c.320C>T (p.Ala107Val)

Gene: CLUAP1 (clusterin associated protein 1; plus strand). Cytogenetic location: 16p13.3.
Variant type: single nucleotide variant.
Coding change: c.320C>T on transcript NM_015041.3 (MANE Select); coding-DNA position 320, C replaced by T.
Protein change: p.Ala107Val; replaces alanine 107 with valine.
Molecular consequence: missense variant.
Genome position (GRCh38, 1-based): chr16:3,508,389, C>T. VCF-style: chr16-3508389-C-T. GRCh37 (hg19) VCF-style: chr16-3558389-C-T.
Other names: c.320C>T, p.Ala107Val (NM_001330454.2); c.320C>T (NM_015041.2); short protein forms A107V.
Identifiers: ClinVar variation 1167691 (VCV001167691.12), dbSNP rs79133712, ClinGen allele CA7863682.

ClinVar aggregate classification (germline): Benign. Review status: criteria provided, multiple submitters, no conflicts (2 of 4 stars). 3 submissions from 3 submitters: Benign (2). 1 of the submissions does not count toward it. Last evaluated 2026-02-02.

Conditions:
CLUAP1-related disorder. Also called: CLUAP1-related condition.

Allele frequency attached by ClinVar (database versions not stated): ExAC 0.02922; ESP Exome Variant Server 0.00947; gnomAD 0.01586 and 0.01926; 1000 Genomes Project 30x 0.05278; gnomAD exomes 0.01253 and 0.02618; TOPMed 0.02351; 1000 Genomes Project 0.05491.
gnomAD v4.1: 21,265 of 1,602,368 alleles (1.3%); highest among the groups gnomAD compares: East Asian, 19%; 1,030 homozygotes.

Submissions (3):

Labcorp Genetics (formerly Invitae), Labcorp
Classification: Benign. Last evaluated: 2026-02-02. Review status: criteria provided, single submitter. Criteria: Invitae Variant Classification Sherloc (09022015). Collection method: clinical testing. Allele origin: germline.

Breakthrough Genomics
Classification: Benign. Review status: criteria provided, single submitter. Criteria: ACMG Guidelines, 2015. Collection method: not provided. Allele origin: germline. Inheritance: Unknown mechanism. Affected: yes.

PreventionGenetics, part of Exact Sciences
Classification: Benign for CLUAP1-related condition. Last evaluated: 2019-03-08. Review status: no assertion criteria provided. Collection method: clinical testing. Allele origin: germline. Not counted in ClinVar's aggregate classification.
Comment: This variant is classified as benign based on ACMG/AMP sequence variant interpretation guidelines (Richards et al. 2015 PMID: 25741868, with internal and published modifications).